The following is an entry in ClinVar:

NM_015910.7(WDPCP):c.1523T>G (p.Leu508Arg)

Gene: WDPCP (WD repeat containing planar cell polarity effector; minus strand). Cytogenetic location: 2p15.
Variant type: single nucleotide variant.
Coding change: c.1523T>G on transcript NM_015910.7 (MANE Select); coding-DNA position 1523, T replaced by G.
Protein change: p.Leu508Arg; replaces leucine 508 with arginine.
Molecular consequence: missense variant. On other transcripts: non-coding transcript variant (3).
Genome position (GRCh38, 1-based): chr2:63,382,007, A>C on the plus strand (T>G on the coding strand, the complement: WDPCP is on the minus strand). VCF-style: chr2-63382007-A-C. GRCh37 (hg19) VCF-style: chr2-63609142-A-C.
Other names: c.1046T>G, p.Leu349Arg (NM_001042692.3); c.1451T>G, p.Leu484Arg (NM_001354044.2); c.1523T>G, p.Leu508Arg (NM_001354045.2); short protein forms L349R, L484R, L508R.
Identifiers: ClinVar variation 3255156 (VCV003255156.1), dbSNP rs2466078250.

ClinVar aggregate classification (germline): Uncertain significance (1 of 4 stars; one submission).

Conditions:
Heart defect - tongue hamartoma - polysyndactyly syndrome. Also called: Congenital heart defects, hamartomas of tongue, and polysyndactyly. Identifiers: Orphanet 1338, MedGen C1857587, MONDO:0009008, OMIM 217085.

Allele frequency attached by ClinVar (database versions not stated): gnomAD exomes below 0.00001.
gnomAD v4.1: 1 of 1,613,584 alleles (0.000062%); highest among the groups gnomAD compares: Non-Finnish European, 0.000085%; no homozygotes.

Submission:

Victorian Clinical Genetics Services, Murdoch Childrens Research Institute
Classification: Uncertain significance for Heart defect - tongue hamartoma - polysyndactyly syndrome. Last evaluated: 2023-12-21. Review status: criteria provided, single submitter. Criteria: ACMG Guidelines, 2015. Collection method: clinical testing. Allele origin: germline. Inheritance: Autosomal recessive inheritance. Affected: yes.
Comment: Based on the classification scheme VCGS_Germline_v1.3.4, this variant is classified as VUS-3A. Following criteria are met: 0102 - Loss of function is a known mechanism of disease in this gene and is associated with congenital heart defects, hamartomas of tongue, and polysyndactyly (MIM#217085). (I) 0106 - This gene is associated with autosomal recessive disease. (I) 0200 - Variant is predicted to result in a missense amino acid change from leucine to arginine. (I) 0251 - This variant is heterozygous. (I) 0301 - Variant is absent from gnomAD (both v2 and v3). (SP) 0501 - Missense variant consistently predicted to be highly conserved with a major amino acid change. (SP) 0600 - Variant is located in the annotated WD repeat-containing and planar cell polarity effector protein Fritz domain (DECIPHER). (I) 0705 - No comparable missense variants have previous evidence for pathogenicity. (I) 0807 - This variant has no previous evidence of pathogenicity. (I) 0905 - No published segregation evidence has been identified for this variant. (I) 1007 - No published functional evidence has been identified for this variant. (I) 1201 - Heterozygous variant detected in trans with a second likely pathogenic heterozygous variant (NM_015910.6(WDPCP):c.160G>A; p.(Asp54Asn)) in a recessive disease. (I) Legend: (SP) - Supporting pathogenic, (I) - Information, (SB) - Supporting benign